The following is an entry in ClinVar:

NM_004304.5(ALK):c.2596T>A (p.Ser866Thr)

Gene: ALK (ALK receptor tyrosine kinase; minus strand). Cytogenetic location: 2p23.2.
Variant type: single nucleotide variant.
Coding change: c.2596T>A on transcript NM_004304.5 (MANE Select); coding-DNA position 2596, T replaced by A.
Protein change: p.Ser866Thr; replaces serine 866 with threonine.
Molecular consequence: missense variant.
Genome position (GRCh38, 1-based): chr2:29,232,340, A>T on the plus strand (T>A on the coding strand, the complement: ALK is on the minus strand). VCF-style: chr2-29232340-A-T. GRCh37 (hg19) VCF-style: chr2-29455206-A-T.
Other names: short protein forms S866T.
Identifiers: ClinVar variation 2447098 (VCV002447098.6), dbSNP rs1553396171, ClinGen allele CA346471648.

ClinVar aggregate classification (germline): Uncertain significance. Review status: criteria provided, multiple submitters, no conflicts (2 of 4 stars). 2 submissions from 2 submitters: Uncertain significance (2). Last evaluated 2025-10-01.

Conditions:
Hereditary cancer-predisposing syndrome. Also called: Hereditary neoplastic syndrome; Tumor predisposition; Neoplastic Syndromes, Hereditary; Hereditary Cancer Syndrome. Identifiers: Orphanet 140162, MedGen C0027672, MeSH D009386, MONDO:0015356.
Neuroblastoma, susceptibility to, 3. Also called: ALK-Related Neuroblastic Tumor Susceptibility. Identifiers: Orphanet 635, MedGen C2751681, MONDO:0013083, OMIM 613014.

Submissions (2):

Labcorp Genetics (formerly Invitae), Labcorp
Classification: Uncertain significance for Neuroblastoma, susceptibility to, 3. Last evaluated: 2025-10-01. Review status: criteria provided, single submitter. Criteria: Invitae Variant Classification Sherloc (09022015). Collection method: clinical testing. Allele origin: germline.
Comment: This sequence change replaces serine, which is neutral and polar, with threonine, which is neutral and polar, at codon 866 of the ALK protein (p.Ser866Thr). This variant is not present in population databases (gnomAD no frequency). This variant has not been reported in the literature in individuals affected with ALK-related conditions. ClinVar contains an entry for this variant (Variation ID: 2447098). An algorithm developed to predict the effect of missense changes on protein structure and function (PolyPhen-2) suggests that this variant is likely to be disruptive. In summary, the available evidence is currently insufficient to determine the role of this variant in disease. Therefore, it has been classified as a Variant of Uncertain Significance.

Ambry Genetics
Classification: Uncertain significance for Hereditary cancer-predisposing syndrome. Last evaluated: 2025-02-03. Review status: criteria provided, single submitter. Criteria: Ambry Variant Classification Scheme 2023. Collection method: clinical testing. Allele origin: germline.
Comment: The p.S866T variant (also known as c.2596T>A), located in coding exon 15 of the ALK gene, results from a T to A substitution at nucleotide position 2596. The serine at codon 866 is replaced by threonine, an amino acid with similar properties. This amino acid position is conserved. In addition, this alteration is predicted to be tolerated by in silico analysis. Since supporting evidence is limited at this time, the clinical significance of this alteration remains unclear.